The following is an entry in ClinVar:

NM_001080512.3(BICC1):c.2229_2230insGA (p.Lys744fs)

Genes: BICC1 (BicC family RNA binding protein 1; plus strand), LOC126860938 (MED14-independent group 3 enhancer GRCh37_chr10:60566642-60567841; plus strand). Cytogenetic location: 10q21.1.
Variant type: Insertion.
Coding change: c.2229_2230insGA on transcript NM_001080512.3 (MANE Select); coding-DNA positions 2229 to 2230, GA inserted.
Protein change: p.Lys744fs; shifts the reading frame from lysine 744.
Molecular consequence: frameshift variant.
Genome position: GRCh38 VCF-style: chr10-58807010-T-TAG. GRCh37 (hg19) VCF-style: chr10-60566770-T-TAG.
Other names: short protein forms K744fs.
Identifiers: ClinVar variation 3066390 (VCV003066390.1), dbSNP rs2492140343, ClinGen allele CA2740097900.

ClinVar aggregate classification (germline): Likely pathogenic (1 of 4 stars; one submission).

Conditions:
Renal dysplasia, cystic, susceptibility to. Identifiers: MedGen C3275898, MONDO:0011037, OMIM 601331.

Submission:

MVZ Medizinische Genetik Mainz
Classification: Likely pathogenic for Renal dysplasia, cystic, susceptibility to. Last evaluated: 2022-10-12. Review status: criteria provided, single submitter. Criteria: UK Practice Guidelines For Variant Classification V4 01 2020. Collection method: clinical testing. Allele origin: germline. Inheritance: Autosomal dominant inheritance. Affected: yes. Observed: 1 variant allele.
Comment: ACMG Criteria: PVS1, PM2_SUP (ACMG Version 4)